The following is an entry in ClinVar:

ClinVar aggregate classification (germline): Uncertain significance (1 of 4 stars; one submission).

Submission:

Laboratory for Molecular Medicine, Mass General Brigham Personalized Medicine
Classification: Uncertain significance. Last evaluated: 2010-07-26. Review status: criteria provided, single submitter. Criteria: LMM Criteria. Collection method: clinical testing. Allele origin: germline. Observed: 2 variant alleles.
Comment: Variant classified as Uncertain Significance - Favor Pathogenic. Variants in the CSRP3 gene have been identified in patients with HCM as well as DCM. However, t he Thr16Ile variant has not been reported in the literature. Threonine (Thr) at position 16 is conserved across several species (including mammals, amphibians, and birds); however, fly and worm, carry a different amino acid (serine) at this position, slightly reducing the likelihood that the change detected in this ind ividual may be pathogenic. On the other hand, the variant is present in two affe cted individuals in this family, which is consistent (but does not prove) a path ogenic role. In summary, in the absence of additional data (such as family stud ies, healthy control data or functional studies) the significance of this varian t cannot be determined.

NM_003476.5(CSRP3):c.47C>T (p.Thr16Ile)

Gene: CSRP3 (cysteine and glycine rich protein 3; minus strand). Cytogenetic location: 11p15.1.
Variant type: single nucleotide variant.
Coding change: c.47C>T on transcript NM_003476.5 (MANE Select); coding-DNA position 47, C replaced by T.
Protein change: p.Thr16Ile; replaces threonine 16 with isoleucine.
Molecular consequence: missense variant.
Genome position (GRCh38, 1-based): chr11:19,192,402, G>A on the plus strand (C>T on the coding strand, the complement: CSRP3 is on the minus strand). VCF-style: chr11-19192402-G-A. GRCh37 (hg19) VCF-style: chr11-19213949-G-A.
Other names: c.47C>T, p.Thr16Ile (NM_001369404.1); short protein forms T16I.
Identifiers: ClinVar variation 44699 (VCV000044699.4), dbSNP rs397516857, ClinGen allele CA134906.